The following is an entry in ClinVar:

NM_001197104.2(KMT2A):c.10730C>A (p.Thr3577Lys)

Gene: KMT2A (lysine methyltransferase 2A; plus strand). Cytogenetic location: 11q23.3.
Variant type: single nucleotide variant.
Coding change: c.10730C>A on transcript NM_001197104.2 (MANE Select); coding-DNA position 10730, C replaced by A.
Protein change: p.Thr3577Lys; replaces threonine 3577 with lysine.
Molecular consequence: missense variant.
Genome position (GRCh38, 1-based): chr11:118,506,622, C>A. VCF-style: chr11-118506622-C-A. GRCh37 (hg19) VCF-style: chr11-118377337-C-A.
Other names: c.10820C>A, p.Thr3607Lys (NM_001412597.1); c.10721C>A, p.Thr3574Lys (NM_005933.4); short protein forms T3574K, T3577K, T3607K.
Identifiers: ClinVar variation 2906901 (VCV002906901.3), dbSNP rs782625001, ClinGen allele CA6304800.

ClinVar aggregate classification (germline): Uncertain significance (1 of 4 stars; one submission).

Allele frequency attached by ClinVar (database versions not stated): ExAC 0.00002.
gnomAD v4.1: 54 of 1,606,982 alleles (0.0034%); highest among the groups gnomAD compares: East Asian, 0.0089%; no homozygotes.

Submission:

Labcorp Genetics (formerly Invitae), Labcorp
Classification: Uncertain significance. Last evaluated: 2025-09-16. Review status: criteria provided, single submitter. Criteria: Invitae Variant Classification Sherloc (09022015). Collection method: clinical testing. Allele origin: germline.
Comment: This sequence change replaces threonine, which is neutral and polar, with lysine, which is basic and polar, at codon 3577 of the KMT2A protein (p.Thr3577Lys). This variant is present in population databases (rs782625001, gnomAD 0.004%). This variant has not been reported in the literature in individuals affected with KMT2A-related conditions. ClinVar contains an entry for this variant (Variation ID: 2906901). Invitae Evidence Modeling of protein sequence and biophysical properties (such as structural, functional, and spatial information, amino acid conservation, physicochemical variation, residue mobility, and thermodynamic stability) indicates that this missense variant is not expected to disrupt KMT2A protein function with a negative predictive value of 95%. In summary, the available evidence is currently insufficient to determine the role of this variant in disease. Therefore, it has been classified as a Variant of Uncertain Significance.